The following is an entry in ClinVar:

ClinVar aggregate classification (germline): Uncertain significance (1 of 4 stars; one submission).

Conditions:
LAMA2-related muscular dystrophy (LAMA2-RD). Also called: Laminin alpha 2-related dystrophy. Identifiers: MedGen C5679788, MONDO:0100228.

Submission:

Labcorp Genetics (formerly Invitae), Labcorp
Classification: Uncertain significance for LAMA2-related muscular dystrophy. Last evaluated: 2019-12-06. Review status: criteria provided, single submitter. Criteria: Invitae Variant Classification Sherloc (09022015). Collection method: clinical testing. Allele origin: germline.
Comment: This variant results in a copy number gain of the genomic region encompassing exons 2-9 of the LAMA2 gene. While the exact position of this variant cannot be determined from this data, sub-genic copy number gains are generally in tandem (PMID: 25640679). This variant would be expected to be in-frame, preserving the integrity of the reading frame. This variant has not been reported in the literature in individuals with LAMA2-related conditions. In summary, the available evidence is currently insufficient to determine the role of this variant in disease. Therefore, it has been classified as a Variant of Uncertain Significance.

Literature cited by the submitters: PubMed 25640679.

NC_000006.12:g.(?_129049908)_(129165685_?)dup

Gene: LAMA2 (laminin subunit alpha 2; plus strand). Cytogenetic location: 6q22.33.
Variant type: Duplication.
Identifiers: ClinVar variation 831212 (VCV000831212.2).